The following is an entry in ClinVar:

ClinVar aggregate classification (germline): Uncertain significance (1 of 4 stars; one submission).

Submission:

CeGaT Center for Human Genetics Tuebingen
Classification: Uncertain significance. Last evaluated: 2022-12-01. Review status: criteria provided, single submitter. Criteria: CeGaT Center For Human Genetics Tuebingen Variant Classification Criteria Version 2. Collection method: clinical testing. Allele origin: germline. Affected: yes. Observed: 1 variant allele.
Comment: NKAP: PM2

NM_024528.4(NKAP):c.211T>A (p.Ser71Thr)

Gene: NKAP (NFKB activating protein; minus strand). Cytogenetic location: Xq24.
Variant type: single nucleotide variant.
Coding change: c.211T>A on transcript NM_024528.4 (MANE Select); coding-DNA position 211, T replaced by A.
Protein change: p.Ser71Thr; replaces serine 71 with threonine.
Molecular consequence: missense variant.
Genome position (GRCh38, 1-based): chrX:119,943,395, A>T on the plus strand (T>A on the coding strand, the complement: NKAP is on the minus strand). VCF-style: chrX-119943395-A-T. GRCh37 (hg19) VCF-style: chrX-119077358-A-T.
Other names: short protein forms S71T.
Identifiers: ClinVar variation 2661311 (VCV002661311.24), dbSNP rs1368677427, ClinGen allele CA414189533.